The following is an entry in ClinVar:

NM_000492.4:c.(3139+1_3140-1)_(3367+1_3368-1)del

Gene: CFTR (CF transmembrane conductance regulator; plus strand).
Variant type: Deletion.
Other names: CFTRdele17b; c.(3139+1_3140-1)_(3367+1_3368-1)del (NM_000492.4).
Identifiers: ClinVar variation 1706035 (VCV001706035.1).

ClinVar aggregate classification (germline): Pathogenic (1 of 4 stars; one submission).

Conditions:
Cystic fibrosis (CF). Also called: MUCOVISCIDOSIS. Identifiers: Orphanet 586, MedGen C0010674, MONDO:0009061, OMIM 219700. Disease mechanism: loss of function.

Submission:

Institute of Human Genetics, University of Leipzig Medical Center
Classification: Pathogenic for Cystic fibrosis. Last evaluated: 2022-09-05. Review status: criteria provided, single submitter. Criteria: ACMG Guidelines, 2015. Collection method: curation. Allele origin: unknown. Affected: yes. Observed: 1 variant allele.
Comment: The variant was classified in the context of a project re-classifying variants in the German Cystic Fibrosis Registry (Muko.e.V.). Criteria applied: PVS1, PM2_SUP, PM3